The following is an entry in ClinVar:

ClinVar aggregate classification (germline): Uncertain significance (1 of 4 stars; one submission).

Conditions:
Familial cancer of breast. Also called: hereditary breast carcinoma; BREAST CANCER, FAMILIAL; Hereditary breast cancer. Identifiers: Orphanet 227535, MedGen C0346153, MONDO:0016419, OMIM 114480. Disease mechanism: loss of function.

Submission:

Labcorp Genetics (formerly Invitae), Labcorp
Classification: Uncertain significance for Familial cancer of breast. Last evaluated: 2018-08-14. Review status: criteria provided, single submitter. Criteria: Invitae Variant Classification Sherloc (09022015). Collection method: clinical testing. Allele origin: germline.
Comment: This variant has not been reported in the literature in individuals with PALB2-related disease. This sequence change replaces serine with arginine at codon 376 of the PALB2 protein (p.Ser376Arg). The serine residue is moderately conserved and there is a moderate physicochemical difference between serine and arginine. This variant is not present in population databases (ExAC no frequency). Algorithms developed to predict the effect of missense changes on protein structure and function are either unavailable or do not agree on the potential impact of this missense change (SIFT: "Tolerated"; PolyPhen-2: "Possibly Damaging"; Align-GVGD: "Class C0"). In summary, the available evidence is currently insufficient to determine the role of this variant in disease. Therefore, it has been classified as a Variant of Uncertain Significance.

NM_024675.4(PALB2):c.1128T>A (p.Ser376Arg)

Gene: PALB2 (partner and localizer of BRCA2; minus strand). Cytogenetic location: 16p12.2.
Variant type: single nucleotide variant.
Coding change: c.1128T>A on transcript NM_024675.4 (MANE Select); coding-DNA position 1128, T replaced by A.
Protein change: p.Ser376Arg; replaces serine 376 with arginine.
Molecular consequence: missense variant.
Genome position (GRCh38, 1-based): chr16:23,635,418, A>T on the plus strand (T>A on the coding strand, the complement: PALB2 is on the minus strand). VCF-style: chr16-23635418-A-T. GRCh37 (hg19) VCF-style: chr16-23646739-A-T.
Other names: short protein forms S376R.
Identifiers: ClinVar variation 643340 (VCV000643340.9), dbSNP rs587780204, ClinGen allele CA395133663.
Genomic context (GRCh38, chr16:23,635,418, plus strand): 5'-GCAAGAATGTTTTTCTGCAGAAAGAGGAGAGGTTGCTTCCAGGCTAAGACTCTTAGGTTG[A>T]CTTAGAATCTCACTTTCCTGAAGATTTTCATTCCTGCCATCAAGAGTGTCACTGGGAGAT-3'
Protein context (NP_078951.2, residues 366-386): NENLQESEIL[Ser376Arg]QPKSLSLEAT